The following is an entry in ClinVar:

NM_020919.4(ALS2):c.735_738del (p.Glu246fs)

Gene: ALS2 (alsin Rho guanine nucleotide exchange factor ALS2; minus strand). Cytogenetic location: 2q33.1.
Variant type: Deletion.
Coding change: c.735_738del on transcript NM_020919.4 (MANE Select); coding-DNA positions 735 to 738, 4 bases deleted (AGAA; older notation c.735_738delAGAA).
Protein change: p.Glu246fs; shifts the reading frame from glutamic acid 246.
Molecular consequence: frameshift variant.
Genome position (GRCh38, 1-based): chr2:201,761,256-201,761,259, TTCT deleted on the plus strand (AGAA on the coding strand, the reverse complement: ALS2 is on the minus strand); deleting any 4 consecutive bases within chr2:201,761,256-201,761,261 gives the same sequence; the c. name uses the placement nearest the transcript's 3' end. VCF-style (leftmost placement, unchanged base first): chr2-201761255-CTTCT-C. GRCh37 (hg19) VCF-style: chr2-202625978-CTTCT-C.
Other names: c.735_738delAGAA (NM_020919.3); c.735_738del, p.Glu246fs (NM_001135745.2); short protein forms E246fs.
Identifiers: ClinVar variation 419009 (VCV000419009.11), dbSNP rs1064793583, ClinGen allele CA16617417.

ClinVar aggregate classification (germline): Pathogenic/Likely pathogenic. Review status: criteria provided, multiple submitters, no conflicts (2 of 4 stars). 3 submissions from 3 submitters: Pathogenic (1); Likely pathogenic (2). Last evaluated 2025-10-28.

Conditions:
ALS2-related disorder. Also called: ALS2-Related Spectrum Disorders; ALS2-related condition; ALS2-related disorders. Identifiers: MedGen CN169291.
Infantile-onset ascending hereditary spastic paralysis (IAHSP). Also called: Autosomal Recessive Juvenile Amyotrophic Lateral Sclerosis; Infantile-Onset Ascending Hereditary Spastic Paralysis (IAHSP). Identifiers: Orphanet 293168, MedGen C2931441, MONDO:0011797, OMIM 607225. Disease mechanism: loss of function.

Submissions (3):

PreventionGenetics, part of Exact Sciences
Classification: Likely pathogenic for ALS2-related condition. Last evaluated: 2025-10-28. Review status: criteria provided, single submitter. Criteria: ACMG Guidelines, 2015. Collection method: clinical testing. Allele origin: germline.
Comment: The ALS2 c.735_738delAGAA variant is predicted to result in a frameshift and premature protein termination (p.Glu246Thrfs*3). To our knowledge, this variant has not been reported in the literature in individuals with ALS2-related disease. This variant has not been reported in a large population database (gnomAD), indicating this variant is rare. Frameshift variants in ALS2 are expected to be pathogenic. This variant is interpreted as likely pathogenic.

GeneDx
Classification: Likely pathogenic. Last evaluated: 2022-03-02. Review status: criteria provided, single submitter. Criteria: GeneDx Variant Classification Process June 2021. Collection method: clinical testing. Allele origin: germline. Affected: yes.
Comment: Has not been previously published as pathogenic or benign to our knowledge; Frameshift variant predicted to result in protein truncation or nonsense mediated decay in a gene for which loss-of-function is a known mechanism of disease; Not observed at significant frequency in large population cohorts (gnomAD)

Labcorp Genetics (formerly Invitae), Labcorp
Classification: Pathogenic for Infantile-onset ascending hereditary spastic paralysis. Last evaluated: 2018-06-26. Review status: criteria provided, single submitter. Criteria: Invitae Variant Classification Sherloc (09022015). Collection method: clinical testing. Allele origin: germline.
Comment: For these reasons, this variant has been classified as Pathogenic. Loss-of-function variants in ALS2 are known to be pathogenic (PMID: 11586298, 24315819). This variant has not been reported in the literature in individuals with ALS2-related disease. ClinVar contains an entry for this variant (Variation ID: 419009). This variant is not present in population databases (ExAC no frequency). This sequence change creates a premature translational stop signal (p.Glu246Thrfs*3) in the ALS2 gene. It is expected to result in an absent or disrupted protein product.

Literature cited by the submitters: PubMed 11586298 (cited by Labcorp Genetics (formerly Invitae), Labcorp); PubMed 24315819 (cited by Labcorp Genetics (formerly Invitae), Labcorp).